The following is an entry in ClinVar:

NM_000368.5(TSC1):c.516G>A (p.Val172=)

Gene: TSC1 (TSC complex subunit 1; minus strand). Cytogenetic location: 9q34.13.
Variant type: single nucleotide variant.
Coding change: c.516G>A on transcript NM_000368.5 (MANE Select); coding-DNA position 516, G replaced by A.
Protein change: p.Val172=; no amino-acid change (valine 172 retained).
Molecular consequence: synonymous variant.
Genome position (GRCh38, 1-based): chr9:132,921,966, C>T on the plus strand (G>A on the coding strand, the complement: TSC1 is on the minus strand). VCF-style: chr9-132921966-C-T. GRCh37 (hg19) VCF-style: chr9-135797353-C-T.
Other names: c.153G>A, p.Val51= (NM_001362177.2); c.516G>A, p.Val172= (NM_001162426.2); c.363G>A, p.Val121= (NM_001162427.2).
Identifiers: ClinVar variation 1150757 (VCV001150757.11), dbSNP rs1419763219, ClinGen allele CA467593858.

ClinVar aggregate classification (germline): Benign/Likely benign. Review status: criteria provided, multiple submitters, no conflicts (2 of 4 stars). 3 submissions from 3 submitters: Benign (1); Likely benign (2). Last evaluated 2025-04-08.

Conditions:
Tuberous sclerosis syndrome (TSC). Also called: Tuberous Sclerosis Complex; Tuberous sclerosis. Identifiers: Orphanet 805, MedGen C0041341, MONDO:0001734.
Tuberous sclerosis 1 (TSC1). Identifiers: Orphanet 805, MedGen C1854465, MONDO:0008612, OMIM 191100.

Allele frequency attached by ClinVar (database versions not stated): TOPMed below 0.00001.

Submissions (3):

Myriad Genetics, Inc.
Classification: Benign for Tuberous sclerosis 1. Last evaluated: 2025-04-08. Review status: criteria provided, single submitter. Criteria: Myriad Autosomal Dominant, Autosomal Recessive and X-Linked Classification Criteria (2023). Collection method: clinical testing. Allele origin: unknown.
Comment: This variant is considered benign. This variant is a silent/synonymous amino acid change and it is not expected to impact splicing.

All of Us Research Program, National Institutes of Health
Classification: Likely benign for Tuberous sclerosis syndrome. Last evaluated: 2023-10-27. Review status: criteria provided, single submitter. Criteria: ACMG Guidelines, 2015. Collection method: clinical testing. Allele origin: germline. Inheritance: Autosomal dominant inheritance. Observed: 1 variant allele, 1 heterozygote.
Comment: This study involves interpretation of variants in research participants for the purpose of population health screening. Participant phenotype was not available at the time of variant classification. Additional details can be found in publication PMID: 35346344, PMCID: PMC8962531

Labcorp Genetics (formerly Invitae), Labcorp
Classification: Likely benign for Tuberous sclerosis 1. Last evaluated: 2022-08-21. Review status: criteria provided, single submitter. Criteria: Invitae Variant Classification Sherloc (09022015). Collection method: clinical testing. Allele origin: germline.